The following is an entry in ClinVar:

ClinVar aggregate classification (germline): Uncertain significance. Review status: criteria provided, multiple submitters, no conflicts (2 of 4 stars). 2 submissions from 2 submitters: Uncertain significance (2). Last evaluated 2022-11-17.

Conditions:
Hereditary cancer-predisposing syndrome. Also called: Hereditary neoplastic syndrome; Neoplastic Syndromes, Hereditary; Tumor predisposition; Hereditary Cancer Syndrome. Identifiers: Orphanet 140162, MedGen C0027672, MeSH D009386, MONDO:0015356.
Ataxia-telangiectasia syndrome (AT). Also called: Ataxia telangiectasia (A-T); LOUIS-BAR SYNDROME; Cerebello-oculocutaneous telangiectasia; Immunodeficiency with ataxia telangiectasia; Ataxia-telangiectasia, complementation group D; AT, COMPLEMENTATION GROUP C. Identifiers: Orphanet 100, MedGen C0004135, MONDO:0008840, OMIM 208900.

Submissions (2):

Labcorp Genetics (formerly Invitae), Labcorp
Classification: Uncertain significance for Ataxia-telangiectasia syndrome. Last evaluated: 2022-11-17. Review status: criteria provided, single submitter. Criteria: Invitae Variant Classification Sherloc (09022015). Collection method: clinical testing. Allele origin: germline.
Comment: In summary, the available evidence is currently insufficient to determine the role of this variant in disease. Therefore, it has been classified as a Variant of Uncertain Significance. Algorithms developed to predict the effect of missense changes on protein structure and function (SIFT, PolyPhen-2, Align-GVGD) all suggest that this variant is likely to be disruptive. This variant has not been reported in the literature in individuals affected with ATM-related conditions. This variant is not present in population databases (gnomAD no frequency). This sequence change replaces leucine, which is neutral and non-polar, with histidine, which is basic and polar, at codon 2163 of the ATM protein (p.Leu2163His).

Ambry Genetics
Classification: Uncertain significance for Hereditary cancer-predisposing syndrome. Last evaluated: 2022-09-21. Review status: criteria provided, single submitter. Criteria: Ambry Variant Classification Scheme 2023. Collection method: clinical testing. Allele origin: germline.
Comment: The p.L2163H variant (also known as c.6488T>A), located in coding exon 44 of the ATM gene, results from a T to A substitution at nucleotide position 6488. The leucine at codon 2163 is replaced by histidine, an amino acid with similar properties. This amino acid position is conserved. In addition, this alteration is predicted to be deleterious by in silico analysis. Since supporting evidence is limited at this time, the clinical significance of this alteration remains unclear.

NM_000051.4(ATM):c.6488T>A (p.Leu2163His)

Genes: ATM (ATM serine/threonine kinase; plus strand), C11orf65 (chromosome 11 open reading frame 65; minus strand). Cytogenetic location: 11q22.3.
Variant type: single nucleotide variant.
Coding change: c.6488T>A on transcript NM_000051.4 (MANE Select); coding-DNA position 6488, T replaced by A.
Protein change: p.Leu2163His; replaces leucine 2163 with histidine.
Molecular consequence: missense variant. On other transcripts: intron variant (2).
Genome position (GRCh38, 1-based): chr11:108,321,336, T>A. VCF-style: chr11-108321336-T-A. GRCh37 (hg19) VCF-style: chr11-108192063-T-A.
Other names: c.6488T>A, p.Leu2163His (NM_001351834.2); c.641-12265A>T (NM_001330368.2); c.*39-12265A>T (NM_001351110.2); short protein forms L2163H.
Identifiers: ClinVar variation 1753797 (VCV001753797.7), dbSNP rs779742477, ClinGen allele CA382554007.